The following is an entry in ClinVar:

ClinVar aggregate classification (germline): Pathogenic (1 of 4 stars; one submission).

Conditions:
Early-infantile DEE. Also called: Early infantile epileptic encephalopathy with suppression bursts; Ohtahara syndrome; Early infantile epileptic encephalopathy. Identifiers: Orphanet 1934, MedGen C0393706, MONDO:0800491.

Submission:

Labcorp Genetics (formerly Invitae), Labcorp
Classification: Pathogenic for Early-infantile DEE. Last evaluated: 2021-10-10. Review status: criteria provided, single submitter. Criteria: Invitae Variant Classification Sherloc (09022015). Collection method: clinical testing. Allele origin: germline.
Comment: This sequence change replaces asparagine with lysine at codon 980 of the SCN1A protein (p.Asn980Lys). The asparagine residue is highly conserved and there is a moderate physicochemical difference between asparagine and lysine. This variant is not present in population databases (ExAC no frequency). This missense change has been observed in individual(s) with SCN1A-related conditions (Invitae). In at least one individual the variant was observed to be de novo. Advanced modeling of protein sequence and biophysical properties (such as structural, functional, and spatial information, amino acid conservation, physicochemical variation, residue mobility, and thermodynamic stability) performed at Invitae indicates that this missense variant is expected to disrupt SCN1A protein function. For these reasons, this variant has been classified as Pathogenic.

NM_001165963.4(SCN1A):c.2940C>A (p.Asn980Lys)

Gene: SCN1A (sodium voltage-gated channel alpha subunit 1; minus strand). Cytogenetic location: 2q24.3.
Variant type: single nucleotide variant.
Coding change: c.2940C>A on transcript NM_001165963.4 (MANE Select); coding-DNA position 2940, C replaced by A.
Protein change: p.Asn980Lys; replaces asparagine 980 with lysine.
Molecular consequence: missense variant. On other transcripts: non-coding transcript variant (1).
Genome position (GRCh38, 1-based): chr2:166,037,782, G>T on the plus strand (C>A on the coding strand, the complement: SCN1A is on the minus strand). VCF-style: chr2-166037782-G-T. GRCh37 (hg19) VCF-style: chr2-166894292-G-T.
Other names: c.2856C>A, p.Asn952Lys (NM_001165964.3, NM_001353957.2, NM_001353958.2); c.2940C>A, p.Asn980Lys (NM_001202435.3, NM_001353948.2); c.2907C>A, p.Asn969Lys (NM_001353949.2, NM_001353950.2, NM_001353951.2 and 2 more transcripts); c.2904C>A, p.Asn968Lys (NM_001353954.2, NM_001353955.2); c.2853C>A, p.Asn951Lys (NM_001353960.2); c.498C>A, p.Asn166Lys (NM_001353961.2); short protein forms N951K, N968K, N969K, N980K, N952K, N166K.
Identifiers: ClinVar variation 1354881 (VCV001354881.7), dbSNP rs2105805349, ClinGen allele CA349060746.
Genomic context (GRCh38, chr2:166,037,782, plus strand): 5'-TACATGTGCCATGCTGGTGTATTTCCAAAATGCATATCTTAAGTGGGTACATACCACTAG[G>T]TTTCCAATCACCATGACCATCATGAAGACAGTAAGGCACATGGCTTGACCAGCAACCTCC-3'
Protein context (NP_001159435.1, residues 970-990): TVFMMVMVIG[Asn980Lys]LVVLNLFLAL